The following is an entry in ClinVar:

ClinVar aggregate classification (germline): Uncertain significance (1 of 4 stars; one submission).

Conditions:
Thrombocytopenia 11 with multiple congenital anomalies and dysmorphic facies (THC11). Identifiers: MedGen C5882734, MONDO:0958000, OMIM 620654.

Submission:

3billion
Classification: Uncertain significance for Thrombocytopenia 11 with multiple congenital anomalies and dysmorphic facies. Last evaluated: 2024-11-07. Review status: criteria provided, single submitter. Criteria: ACMG Guidelines, 2015. Collection method: clinical testing. Allele origin: germline. Affected: yes.
Comment: The variant is not observed in the gnomAD v4.1.0 dataset. Predicted Consequence/Location: Missense variant. Missense changes are a common disease-causing mechanism. Damaging effect on gene or gene product predicted by in silico programs is uncertain [REVEL: 0.27 (damaging >=0.6, benign <0.4), 3Cnet: 0.27 (damaging >=0.6, benign <0.15)]. Therefore, this variant is classified as VUS according to the recommendation of ACMG/AMP guideline.

NM_001010942.3(RAP1B):c.145C>G (p.Gln49Glu)

Gene: RAP1B (RAP1B, member of RAS oncogene family; plus strand). Cytogenetic location: 12q15.
Variant type: single nucleotide variant.
Coding change: c.145C>G on transcript NM_001010942.3 (MANE Select); coding-DNA position 145, C replaced by G.
Protein change: p.Gln49Glu; replaces glutamine 49 with glutamic acid.
Molecular consequence: missense variant. On other transcripts: intron variant (3).
Genome position (GRCh38, 1-based): chr12:68,652,013, C>G. VCF-style: chr12-68652013-C-G. GRCh37 (hg19) VCF-style: chr12-69045793-C-G.
Other names: c.145C>G, p.Gln49Glu (NM_001251922.2, NM_015646.6); c.58-2099C>G (NM_001251917.2, NM_001251918.2); c.126+1545C>G (NM_001251921.2); short protein forms Q49E.
Identifiers: ClinVar variation 4293419 (VCV004293419.1).